The following is an entry in ClinVar:

ClinVar aggregate classification (germline): Pathogenic (1 of 4 stars; one submission).

Conditions:
Severe early-childhood-onset retinal dystrophy (STGD1). Also called: Stargardt macular dystrophy; Juvenile onset macular degeneration; Stargardt disease 1; MACULAR DYSTROPHY WITH FLECKS, TYPE 1; STGD. Identifiers: Orphanet 364055, Orphanet 827, MedGen C1855465, MeSH D000080362, MONDO:0009549, OMIM 248200.
Cone-rod dystrophy 3 (CORD3). Identifiers: Orphanet 1872, MedGen C1858806, MONDO:0011395, OMIM 604116.
Retinitis pigmentosa 19 (RP19). Also called: ABCA4-Related Retinitis Pigmentosa. Identifiers: Orphanet 791, MedGen C1866422, MONDO:0011137, OMIM 601718.

Submission:

3billion
Classification: Pathogenic for Severe early-childhood-onset retinal dystrophy; Retinitis pigmentosa 19; Cone-rod dystrophy 3. Last evaluated: 2024-04-17. Review status: criteria provided, single submitter. Criteria: ACMG Guidelines, 2015. Collection method: clinical testing. Allele origin: germline. Affected: yes.
Comment: The variant is not observed in the gnomAD v4.0.0 dataset. Predicted Consequence/Location: Canonical splice site: predicted to alter splicing and result in a loss or disruption of normal protein function. Multiple pathogenic loss-of-function variants are reported downstream of the variant. In silico tools predict the variant to alter splicing and produce an abnormal transcript [SpliceAI: 0.99 (spliceogenicity >=0.2, non-spliceogenicity <0.1)]. Therefore, this variant is classified as Pathogenic according to the recommendation of ACMG/AMP guideline.

NM_000350.3(ABCA4):c.67-2A>T

Gene: ABCA4 (ATP binding cassette subfamily A member 4; minus strand). Cytogenetic location: 1p22.1.
Variant type: single nucleotide variant.
Coding change: c.67-2A>T on transcript NM_000350.3 (MANE Select); the canonical splice acceptor site of the intron before coding-DNA position 67, A replaced by T.
Molecular consequence: splice acceptor variant.
Genome position (GRCh38, 1-based): chr1:94,113,068, T>A on the plus strand (A>T on the coding strand, the complement: ABCA4 is on the minus strand). VCF-style: chr1-94113068-T-A. GRCh37 (hg19) VCF-style: chr1-94578624-T-A.
Other names: c.67-2A>T (NM_001425324.1).
Identifiers: ClinVar variation 3775664 (VCV003775664.1).